The following is an entry in ClinVar:

ClinVar aggregate classification (germline): Conflicting classifications of pathogenicity. Review status: criteria provided, conflicting classifications (1 of 4 stars). 6 submissions from 6 submitters: Uncertain significance (4); Likely benign (1). 1 of the submissions does not count toward it. Last evaluated 2026-05-18.

Conditions:
Inborn genetic diseases. Identifiers: MedGen C0950123, MeSH D030342.
DCHS1-related disorder. Also called: DCHS1-related condition.
Van Maldergem syndrome 1 (VMLDS1). Also called: Van Maldergem syndrome 1 (VMLDS1). Identifiers: Orphanet 314679, MedGen C4551950, MONDO:0011070, OMIM 601390.

Allele frequency attached by ClinVar (database versions not stated): gnomAD 0.00003 and 0.00004; ExAC 0.00004; gnomAD exomes 0.00004 and 0.00005; TOPMed 0.00004; ESP Exome Variant Server 0.00008.
gnomAD v4.1: 73 of 1,613,844 alleles (0.0045%); highest among the groups gnomAD compares: Middle Eastern, 0.016%; no homozygotes.

Submissions (6):

PreventionGenetics, part of Exact Sciences
Classification: Uncertain significance for DCHS1-related condition. Last evaluated: 2026-05-18. Review status: criteria provided, single submitter. Criteria: ACMG Guidelines, 2015. Collection method: clinical testing. Allele origin: germline.
Comment: The DCHS1 c.3769A>G variant is predicted to result in the amino acid substitution p.Thr1257Ala. To our knowledge, this variant has not been reported in the literature. This variant is reported in 0.0065% of alleles in individuals of South Asian descent in gnomAD. At this time, the clinical significance of this variant is uncertain due to the absence of conclusive functional and genetic evidence.

Labcorp Genetics (formerly Invitae), Labcorp
Classification: Uncertain significance. Last evaluated: 2025-06-11. Review status: criteria provided, single submitter. Criteria: Invitae Variant Classification Sherloc (09022015). Collection method: clinical testing. Allele origin: germline.
Comment: This sequence change replaces threonine, which is neutral and polar, with alanine, which is neutral and non-polar, at codon 1257 of the DCHS1 protein (p.Thr1257Ala). This variant is present in population databases (rs143368111, gnomAD 0.006%). This variant has not been reported in the literature in individuals affected with DCHS1-related conditions. ClinVar contains an entry for this variant (Variation ID: 1049586). Invitae Evidence Modeling of protein sequence and biophysical properties (such as structural, functional, and spatial information, amino acid conservation, physicochemical variation, residue mobility, and thermodynamic stability) indicates that this missense variant is not expected to disrupt DCHS1 protein function with a negative predictive value of 80%. In summary, the available evidence is currently insufficient to determine the role of this variant in disease. Therefore, it has been classified as a Variant of Uncertain Significance.

Ambry Genetics
Classification: Uncertain significance for Inborn genetic diseases. Last evaluated: 2025-05-04. Review status: criteria provided, single submitter. Criteria: Ambry Variant Classification Scheme 2023. Collection method: clinical testing. Allele origin: germline.

3billion
Classification: Likely benign for Van Maldergem syndrome 1. Last evaluated: 2024-09-20. Review status: criteria provided, single submitter. Criteria: ACMG Guidelines, 2015. Collection method: clinical testing. Allele origin: germline. Affected: no.
Comment: The homozygous variant was found in patients diagnosed with another variant in a different gene, with no symptoms related to the gene containing the homozygous variant.

Women's Health and Genetics/Laboratory Corporation of America, LabCorp
Classification: Uncertain significance. Last evaluated: 2024-06-10. Review status: criteria provided, single submitter. Criteria: LabCorp Variant Classification Summary - May 2015. Collection method: clinical testing. Allele origin: germline.
Comment: Variant summary: DCHS1 c.3769A>G (p.Thr1257Ala) results in a non-conservative amino acid change located in the Cadherin-like domain (IPR002126) of the encoded protein sequence. Four of five in-silico tools predict a benign effect of the variant on protein function. The variant allele was found at a frequency of 4e-05 in 251150 control chromosomes. This frequency is not significantly higher than estimated for a pathogenic variant in DCHS1 causing DCHS1-Related Disorders, allowing no conclusion about variant significance. To our knowledge, no occurrence of c.3769A>G in individuals affected with DCHS1-Related Disorders and no experimental evidence demonstrating its impact on protein function have been reported. ClinVar contains an entry for this variant (Variation ID: 1049586). Based on the evidence outlined above, the variant was classified as uncertain significance.

Department of Pathology and Laboratory Medicine, Sinai Health System
Classification: Uncertain significance. Review status: no assertion criteria provided. Collection method: clinical testing. Allele origin: unknown. Affected: yes. Study: The Canadian Open Genetics Repository (COGR). Not counted in ClinVar's aggregate classification.
Comment: The DCHS1 p.T1257A variant was not identified in the literature nor was it identified in ClinVar, Cosmic, or LOVD 3.0. The variant was identified in dbSNP (ID: rs143368111) and in control databases in 11 of 282500 chromosomes (0 homozygous) at a frequency of 0.000039 (Genome Aggregation Database March 6, 2019, v2.1.1). The variant was observed in the following populations: South Asian in 2 of 30616 chromosomes (freq: 0.000065), Latino in 2 of 35422 chromosomes (freq: 0.000056), European (non-Finnish) in 6 of 128878 chromosomes (freq: 0.000047) and African in 1 of 24952 chromosomes (freq: 0.00004), but was not observed in the Ashkenazi Jewish, East Asian, European (Finnish) or Other populations. The p.Thr1257 residue is conserved in mammals but not in more distantly related organisms however computational analyses (PolyPhen-2, SIFT, AlignGVGD, BLOSUM, MutationTaster) do not suggest a high likelihood of impact to the protein; this information is not predictive enough to rule out pathogenicity. The variant occurs outside of the splicing consensus sequence and two of four in silico or computational prediction software programs (SpliceSiteFinder, MaxEntScan, NNSPLICE, GeneSplicer) predict a greater than 10% difference in splicing; this is not very predictive of pathogenicity. In summary, based on the above information the clinical significance of this variant cannot be determined with certainty at this time. This variant is classified as a variant of uncertain significance.

NM_003737.4(DCHS1):c.3769A>G (p.Thr1257Ala)

Gene: DCHS1 (dachsous cadherin-related 1; minus strand). Cytogenetic location: 11p15.4.
Variant type: single nucleotide variant.
Coding change: c.3769A>G on transcript NM_003737.4 (MANE Select); coding-DNA position 3769, A replaced by G.
Protein change: p.Thr1257Ala; replaces threonine 1257 with alanine.
Molecular consequence: missense variant.
Genome position (GRCh38, 1-based): chr11:6,631,314, T>C on the plus strand (A>G on the coding strand, the complement: DCHS1 is on the minus strand). VCF-style: chr11-6631314-T-C. GRCh37 (hg19) VCF-style: chr11-6652545-T-C.
Other names: c.3769A>G (NM_003737.2, NM_003737.3); short protein forms T1257A.
Identifiers: ClinVar variation 1049586 (VCV001049586.11), dbSNP rs143368111, ClinGen allele CA5860440.
Genomic context (GRCh38, chr11:6,631,314, plus strand): 5'-GGGCAGGCCATGAGGGCATGCCATCACCCACCAATTCTCCTCTCTCCACTCCCATACCAG[T>C]TAGCGTGTACAAGATGGTCCCATTCTCCCCCTCATCTGGATCCTTCGCCTGCAGAGTCGT-3'
Protein context (NP_003728.1, residues 1247-1267): GENGTILYTL[Thr1257Ala]GPGSELFSLH